The following is an entry in ClinVar:

ClinVar aggregate classification (germline): Uncertain significance. Review status: criteria provided, multiple submitters, no conflicts (2 of 4 stars). 3 submissions from 3 submitters: Uncertain significance (3). Last evaluated 2024-04-01.

Conditions:
Cystic fibrosis (CF). Also called: MUCOVISCIDOSIS. Identifiers: Orphanet 586, MedGen C0010674, MONDO:0009061, OMIM 219700. Disease mechanism: loss of function.

Submissions (3):

Labcorp Genetics (formerly Invitae), Labcorp
Classification: Uncertain significance for Cystic fibrosis. Last evaluated: 2024-04-01. Review status: criteria provided, single submitter. Criteria: Invitae Variant Classification Sherloc (09022015). Collection method: clinical testing. Allele origin: germline.
Comment: This sequence change replaces glutamic acid, which is acidic and polar, with aspartic acid, which is acidic and polar, at codon 449 of the CFTR protein (p.Glu449Asp). This variant is not present in population databases (gnomAD no frequency). This variant has not been reported in the literature in individuals affected with CFTR-related conditions. ClinVar contains an entry for this variant (Variation ID: 1770490). Advanced modeling of protein sequence and biophysical properties (such as structural, functional, and spatial information, amino acid conservation, physicochemical variation, residue mobility, and thermodynamic stability) performed at Invitae indicates that this missense variant is expected to disrupt CFTR protein function with a positive predictive value of 80%. In summary, the available evidence is currently insufficient to determine the role of this variant in disease. Therefore, it has been classified as a Variant of Uncertain Significance.

Ambry Genetics
Classification: Uncertain significance for Cystic fibrosis. Last evaluated: 2023-12-10. Review status: criteria provided, single submitter. Criteria: Ambry Variant Classification Scheme 2023. Collection method: clinical testing. Allele origin: germline.
Comment: The p.E449D variant (also known as c.1347A>T), located in coding exon 10 of the CFTR gene, results from an A to T substitution at nucleotide position 1347. The glutamic acid at codon 449 is replaced by aspartic acid, an amino acid with highly similar properties. This amino acid position is conserved. In addition, the in silico prediction for this alteration is inconclusive. Since supporting evidence is limited at this time, the clinical significance of this alteration remains unclear.

Blueprint Genetics
Classification: Uncertain significance. Last evaluated: 2023-09-04. Review status: criteria provided, single submitter. Criteria: ACMG Guidelines, 2015. Collection method: clinical testing. Allele origin: germline.

NM_000492.4(CFTR):c.1347A>T (p.Glu449Asp)

Genes: CFTR (CF transmembrane conductance regulator; plus strand), CFTR-AS1 (CFTR antisense RNA 1; minus strand). Cytogenetic location: 7q31.2.
Variant type: single nucleotide variant.
Coding change: c.1347A>T on transcript NM_000492.4 (MANE Select); coding-DNA position 1347, A replaced by T.
Protein change: p.Glu449Asp; replaces glutamic acid 449 with aspartic acid.
Molecular consequence: missense variant.
Genome position (GRCh38, 1-based): chr7:117,548,778, A>T. VCF-style: chr7-117548778-A-T. GRCh37 (hg19) VCF-style: chr7-117188832-A-T.
Other names: short protein forms E449D.
Identifiers: ClinVar variation 1770490 (VCV001770490.6), dbSNP rs2485046455, ClinGen allele CA368982238.